The following is an entry in ClinVar:

NC_000004.11:g.(?_121616266)_(124323706_?)dup

Genes: ADAD1 (adenosine deaminase domain containing 1; plus strand), AFG2A (AFG2 AAA ATPase homolog A; plus strand), ANXA5 (annexin A5; minus strand), BBS12 (Bardet-Biedl syndrome 12; plus strand), BBS7 (Bardet-Biedl syndrome 7; minus strand) and 14 more. Cytogenetic location: 4q27-28.1.
Variant type: Duplication.
Identifiers: ClinVar variation 2427328 (VCV002427328.5).

ClinVar aggregate classification (germline): Uncertain significance (1 of 4 stars; one submission).

Conditions:
Microcephaly-intellectual disability-sensorineural hearing loss-epilepsy-abnormal muscle tone syndrome (NEDHSB). Also called: NEURODEVELOPMENTAL DISORDER WITH HEARING LOSS, SEIZURES, AND BRAIN ABNORMALITIES. Identifiers: Orphanet 457351, MedGen C4225276, MONDO:0014698, OMIM 616577.

Submission:

Labcorp Genetics (formerly Invitae), Labcorp
Classification: Uncertain significance for Microcephaly-intellectual disability-sensorineural hearing loss-epilepsy-abnormal muscle tone syndrome. Last evaluated: 2022-08-22. Review status: criteria provided, single submitter. Criteria: Invitae Variant Classification Sherloc (09022015). Collection method: clinical testing. Allele origin: germline.
Comment: A copy number gain of the genomic region encompassing the full coding sequence of the SPATA5 gene has been identified. The boundaries of this event are unknown as they extend beyond the assayed region for this gene and therefore may encompass additional genes. As the precise location of this event is unknown, it may be in tandem or it may be located elsewhere in the genome. This variant has not been reported in the literature in individuals affected with SPATA5-related conditions. Experimental studies and prediction algorithms are not available or were not evaluated, and the functional significance of this variant is currently unknown. In summary, the available evidence is currently insufficient to determine the role of this variant in disease. Therefore, it has been classified as a Variant of Uncertain Significance.